The following is an entry in ClinVar:

NM_021254.4(CFAP298):c.91G>T (p.Val31Leu)

Genes: CFAP298 (cilia and flagella associated protein 298; minus strand), CFAP298-TCP10L (CFAP298-TCP10L readthrough; minus strand). Cytogenetic location: 21q22.11.
Variant type: single nucleotide variant.
Coding change: c.91G>T on transcript NM_021254.4 (MANE Select); coding-DNA position 91, G replaced by T.
Protein change: p.Val31Leu; replaces valine 31 with leucine.
Molecular consequence: missense variant. On other transcripts: non-coding transcript variant (2), 5 prime UTR variant (1).
Genome position (GRCh38, 1-based): chr21:32,612,153, C>A on the plus strand (G>T on the coding strand, the complement: CFAP298 is on the minus strand). VCF-style: chr21-32612153-C-A. GRCh37 (hg19) VCF-style: chr21-33984463-C-A.
Other names: c.91G>T, p.Val31Leu (NM_001350338.2, NM_001350335.2, NM_001350336.2 and 1 more transcripts); c.-139G>T (NM_001350334.2); short protein forms V31L.
Identifiers: ClinVar variation 1398865 (VCV001398865.5), dbSNP rs1032119758, ClinGen allele CA319434177.

ClinVar aggregate classification (germline): Uncertain significance (1 of 4 stars; one submission).

Allele frequency attached by ClinVar (database versions not stated): gnomAD 0.00001; TOPMed 0.00001.

Submission:

Labcorp Genetics (formerly Invitae), Labcorp
Classification: Uncertain significance. Last evaluated: 2025-09-17. Review status: criteria provided, single submitter. Criteria: Invitae Variant Classification Sherloc (09022015). Collection method: clinical testing. Allele origin: germline.
Comment: This sequence change replaces valine, which is neutral and non-polar, with leucine, which is neutral and non-polar, at codon 31 of the CFAP298 protein (p.Val31Leu). This variant is present in population databases (no rsID available, gnomAD 0.003%). This variant has not been reported in the literature in individuals affected with CFAP298-related conditions. ClinVar contains an entry for this variant (Variation ID: 1398865). An algorithm developed to predict the effect of missense changes on protein structure and function (PolyPhen-2) suggests that this variant is likely to be tolerated. In summary, the available evidence is currently insufficient to determine the role of this variant in disease. Therefore, it has been classified as a Variant of Uncertain Significance.